The following is an entry in ClinVar:

ClinVar aggregate classification (germline): Conflicting classifications of pathogenicity. Review status: criteria provided, conflicting classifications (1 of 4 stars). 2 submissions from 2 submitters: Uncertain significance (1); Likely benign (1). Last evaluated 2026-06-01.

Conditions:
Bethlem myopathy 1A. Also called: MYOPATHY, BENIGN CONGENITAL, WITH CONTRACTURES; Bethlem Muscular Dystrophy; Bethlem myopathy 1. Identifiers: Orphanet 610, MedGen CN029274, MONDO:0024530, OMIM 158810.

gnomAD v4.1: 5 of 1,608,142 alleles (0.00031%); highest among the groups gnomAD compares: Non-Finnish European, 0.00034%; no homozygotes.

Submissions (2):

CeGaT Center for Human Genetics Tuebingen
Classification: Uncertain significance. Last evaluated: 2026-06-01. Review status: criteria provided, single submitter. Criteria: CeGaT Center For Human Genetics Tuebingen Variant Classification Criteria Version 2. Collection method: clinical testing. Allele origin: germline. Affected: yes. Observed: 2 variant alleles.
Comment: COL6A1: PM2

Labcorp Genetics (formerly Invitae), Labcorp
Classification: Likely benign for Bethlem myopathy 1A. Last evaluated: 2025-05-08. Review status: criteria provided, single submitter. Criteria: Invitae Variant Classification Sherloc (09022015). Collection method: clinical testing. Allele origin: germline.

NM_001848.3(COL6A1):c.2540C>T (p.Thr847Ile)

Gene: COL6A1 (collagen type VI alpha 1 chain; plus strand). Cytogenetic location: 21q22.3.
Variant type: single nucleotide variant.
Coding change: c.2540C>T on transcript NM_001848.3 (MANE Select); coding-DNA position 2540, C replaced by T.
Protein change: p.Thr847Ile; replaces threonine 847 with isoleucine.
Molecular consequence: missense variant.
Genome position (GRCh38, 1-based): chr21:46,003,466, C>T. VCF-style: chr21-46003466-C-T. GRCh37 (hg19) VCF-style: chr21-47423380-C-T.
Other names: short protein forms T847I.
Identifiers: ClinVar variation 4778983 (VCV004778983.3).
Genomic context (GRCh38, chr21:46,003,466, plus strand): 5'-CGGCTGACATCACCATCCTGCTGGACGGCTCCGCCAGCGTGGGCAGCCACAACTTTGACA[C>T]CACCAAGCGCTTCGCCAAGCGCCTGGCCGAGCGCTTCCTCACAGCGGGCAGGACGGACCC-3'
Protein context (NP_001839.2, residues 837-857): SASVGSHNFD[Thr847Ile]TKRFAKRLAE